The following is an entry in ClinVar:

NM_025137.4(SPG11):c.6999+3G>A

Gene: SPG11 (SPG11 vesicle trafficking associated, spatacsin; minus strand). Cytogenetic location: 15q21.1.
Variant type: single nucleotide variant.
Coding change: c.6999+3G>A on transcript NM_025137.4 (MANE Select); 3 bases into the intron after coding-DNA position 6999, G replaced by A.
Molecular consequence: intron variant.
Genome position (GRCh38, 1-based): chr15:44,565,851, C>T on the plus strand (G>A on the coding strand, the complement: SPG11 is on the minus strand). VCF-style: chr15-44565851-C-T. GRCh37 (hg19) VCF-style: chr15-44858049-C-T.
Other names: c.6660+3G>A (NM_001160227.2).
Identifiers: ClinVar variation 1931871 (VCV001931871.2), dbSNP rs1489420090, ClinGen allele CA618005850.

ClinVar aggregate classification (germline): Uncertain significance (1 of 4 stars; one submission).

Conditions:
Hereditary spastic paraplegia 11. Also called: Nakamura Osame syndrome; Autosomal recessive hereditary spastic paraplegia, mental impairment, and thin corpus callosum; SPASTIC PARAPLEGIA, AUTOSOMAL RECESSIVE, COMPLICATED, WITH THIN CORPUS CALLOSUM; SPASTIC PARAPLEGIA, AUTOSOMAL RECESSIVE, WITH MENTAL IMPAIRMENT AND THIN CORPUS CALLOSUM; Spastic Paraplegia 11; Spastic paraplegia, mental retardation and thin corpus callosum. Identifiers: Orphanet 2822, MedGen C1858479, MONDO:0011445, OMIM 604360.

Allele frequency attached by ClinVar (database versions not stated): gnomAD exomes below 0.00001.
gnomAD v4.1: 2 of 1,614,036 alleles (0.00012%); highest among the groups gnomAD compares: Non-Finnish European, 0.00017%; no homozygotes.

Submission:

Labcorp Genetics (formerly Invitae), Labcorp
Classification: Uncertain significance for Hereditary spastic paraplegia 11. Last evaluated: 2022-02-20. Review status: criteria provided, single submitter. Criteria: Invitae Variant Classification Sherloc (09022015). Collection method: clinical testing. Allele origin: germline.
Comment: This sequence change falls in intron 38 of the SPG11 gene. It does not directly change the encoded amino acid sequence of the SPG11 protein. It affects a nucleotide within the consensus splice site. This variant is present in population databases (no rsID available, gnomAD 0.0009%). This variant has not been reported in the literature in individuals affected with SPG11-related conditions. Variants that disrupt the consensus splice site are a relatively common cause of aberrant splicing (PMID: 17576681, 9536098). Algorithms developed to predict the effect of sequence changes on RNA splicing suggest that this variant is not likely to affect RNA splicing. In summary, the available evidence is currently insufficient to determine the role of this variant in disease. Therefore, it has been classified as a Variant of Uncertain Significance.

Literature cited by the submitters: PubMed 17576681; PubMed 9536098.